The following is an entry in ClinVar:

NM_005592.4(MUSK):c.1522G>A (p.Val508Met)

Gene: MUSK (muscle associated receptor tyrosine kinase; plus strand). Cytogenetic location: 9q31.3.
Variant type: single nucleotide variant.
Coding change: c.1522G>A on transcript NM_005592.4 (MANE Select); coding-DNA position 1522, G replaced by A.
Protein change: p.Val508Met; replaces valine 508 with methionine.
Molecular consequence: missense variant.
Genome position (GRCh38, 1-based): chr9:110,784,952, G>A. VCF-style: chr9-110784952-G-A. GRCh37 (hg19) VCF-style: chr9-113547232-G-A.
Other names: c.1264G>A, p.Val422Met (NM_001166280.2); c.1234G>A, p.Val412Met (NM_001166281.2); c.262G>A, p.Val88Met (NM_001369398.1); short protein forms V508M, V412M, V422M, V88M.
Identifiers: ClinVar variation 364610 (VCV000364610.30), dbSNP rs769267043, ClinGen allele CA5184382.
Genomic context (GRCh38, chr9:110,784,952, plus strand): 5'-GTCTCACCTACATACTCCATGACTGTAATAATCTCCATCATGTCCAGCTTTGCAATATTT[G>A]TGCTTCTTACCATAACTACTCTCTATTGCTGCCGAAGAAGAAAACAATGGAAAAATAAGA-3'
Protein context (NP_005583.1, residues 498-518): ISIMSSFAIF[Val508Met]LLTITTLYCC

ClinVar aggregate classification (germline): Conflicting classifications of pathogenicity. Review status: criteria provided, conflicting classifications (1 of 4 stars). 4 submissions from 4 submitters: Uncertain significance (3); Likely benign (1). Last evaluated 2024-08-01.

Conditions:
Congenital myasthenic syndrome 9. Also called: Myasthenic syndrome, congenital, 9, associated with acetylcholine receptor deficiency. Identifiers: Orphanet 590, MedGen C4225368, MONDO:0014587, OMIM 616325.
Fetal akinesia deformation sequence 1 (FADS1). Also called: Fetal akinesia sequence; Pena-Shokeir syndrome type I. Identifiers: Orphanet 994, MedGen C1276035, MONDO:0100101, OMIM 208150, HP:0001989.

Allele frequency attached by ClinVar (database versions not stated): ExAC 0.00004; gnomAD 0.00004; TOPMed 0.00005; gnomAD exomes 0.00007.
gnomAD v4.1: 61 of 1,613,606 alleles (0.0038%); highest among the groups gnomAD compares: Non-Finnish European, 0.00076%; no homozygotes.

Submissions (4):

CeGaT Center for Human Genetics Tuebingen
Classification: Uncertain significance. Last evaluated: 2024-08-01. Review status: criteria provided, single submitter. Criteria: CeGaT Center For Human Genetics Tuebingen Variant Classification Criteria Version 2. Collection method: clinical testing. Allele origin: germline. Affected: yes. Observed: 1 variant allele.
Comment: MUSK: PM2, BP4

Labcorp Genetics (formerly Invitae), Labcorp
Classification: Likely benign for Congenital myasthenic syndrome 9; Fetal akinesia deformation sequence 1. Last evaluated: 2024-06-07. Review status: criteria provided, single submitter. Criteria: Invitae Variant Classification Sherloc (09022015). Collection method: clinical testing. Allele origin: germline.

Revvity Omics, Revvity
Classification: Uncertain significance. Last evaluated: 2019-07-29. Review status: criteria provided, single submitter. Criteria: ACMG Guidelines, 2015. Collection method: clinical testing. Allele origin: germline.

Illumina Laboratory Services, Illumina
Classification: Uncertain significance for Congenital myasthenic syndrome 9. Last evaluated: 2018-01-12. Review status: criteria provided, single submitter. Criteria: ICSL Variant Classification Criteria 13 December 2019. Collection method: clinical testing. Allele origin: germline.